The following is an entry in ClinVar:

ClinVar aggregate classification (germline): Pathogenic (1 of 4 stars; one submission).

Submission:

Labcorp Genetics (formerly Invitae), Labcorp
Classification: Pathogenic. Last evaluated: 2023-02-14. Review status: criteria provided, single submitter. Criteria: Invitae Variant Classification Sherloc (09022015). Collection method: clinical testing. Allele origin: germline.
Comment: This sequence change creates a premature translational stop signal (p.Arg121Glnfs*12) in the SLC38A8 gene. It is expected to result in an absent or disrupted protein product. Loss-of-function variants in SLC38A8 are known to be pathogenic (PMID: 24290379). This variant is not present in population databases (gnomAD no frequency). This variant has not been reported in the literature in individuals affected with SLC38A8-related conditions. For these reasons, this variant has been classified as Pathogenic.

Literature cited by the submitters: PubMed 24290379.

NM_001080442.3(SLC38A8):c.359dup (p.Arg121fs)

Gene: SLC38A8 (solute carrier family 38 member 8; minus strand). Cytogenetic location: 16q23.3.
Variant type: Duplication.
Coding change: c.359dup on transcript NM_001080442.3 (MANE Select); coding-DNA position 359, one base duplicated (T; older notation c.359dupT).
Protein change: p.Arg121fs; shifts the reading frame from arginine 121.
Molecular consequence: frameshift variant.
Genome position (GRCh38, 1-based): chr16:84,036,731, A duplicated on the plus strand (T on the coding strand, the reverse complement: SLC38A8 is on the minus strand). VCF-style (leftmost placement, unchanged base first): chr16-84036730-G-GA. GRCh37 (hg19) VCF-style: chr16-84070335-G-GA.
Other names: short protein forms R121fs.
Identifiers: ClinVar variation 2837016 (VCV002837016.3), dbSNP rs2507668346, ClinGen allele CA2739266927.
Genomic context (GRCh38, chr16:84,036,730, plus strand): 5'-TGGGCCACCCCGAGTCCCATGAAGGTACTTACGCTTCTCCAGCTGGTCCCCGATCACCCT[G>GA]AGGAAGGCCACGGAGATCATGAGCAGGTTGAGGAGGAAGCAGGCCTCACACAGCTTCCCA-3'